The following is an entry in ClinVar:

NM_000019.4(ACAT1):c.433C>T (p.Gln145Ter)

Gene: ACAT1 (acetyl-CoA acetyltransferase 1; plus strand). Cytogenetic location: 11q22.3.
Variant type: single nucleotide variant.
Coding change: c.433C>T on transcript NM_000019.4 (MANE Select); coding-DNA position 433, C replaced by T.
Protein change: p.Gln145Ter; replaces glutamine 145 with a stop codon.
Molecular consequence: nonsense. On other transcripts: non-coding transcript variant (1), intron variant (1).
Genome position (GRCh38, 1-based): chr11:108,135,240, C>T. VCF-style: chr11-108135240-C-T. GRCh37 (hg19) VCF-style: chr11-108005967-C-T.
Other names: c.433C>T, p.Gln145Ter (NM_001386677.1); c.136C>T, p.Gln46Ter (NM_001386679.1); c.163C>T, p.Gln55Ter (NM_001386681.1, NM_001386682.1, NM_001386685.1 and 6 more transcripts); c.120+3286C>T (NM_001386678.1); short protein forms Q145*, Q46*, Q55*.
Identifiers: ClinVar variation 1705360 (VCV001705360.1), dbSNP rs120074148, ClinGen allele CA382506897.

ClinVar aggregate classification (germline): Pathogenic (1 of 4 stars; one submission).

Conditions:
Deficiency of acetyl-CoA acetyltransferase. Also called: Beta-ketothiolase deficiency; 3-KETOTHIOLASE DEFICIENCY; 3-OXOTHIOLASE DEFICIENCY; MITOCHONDRIAL ACETOACETYL-CoA THIOLASE DEFICIENCY. Identifiers: Orphanet 134, MedGen C1536500, MONDO:0008760, OMIM 203750. Disease mechanism: loss of function.

Submission:

3billion
Classification: Pathogenic for Deficiency of acetyl-CoA acetyltransferase. Last evaluated: 2022-09-01. Review status: criteria provided, single submitter. Criteria: ACMG Guidelines, 2015. Collection method: clinical testing. Allele origin: germline. Affected: yes. Observed: 1 hemizygote.
Comment: The variant is not observed in the gnomAD v2.1.1 dataset. Stop-gained (nonsense) is predicted to result in a loss or disruption of normal protein function through nonsense-mediated decay (NMD) or protein truncation. Multiple pathogenic variants are reported downstream of the variant. Therefore, this variant is classified as Pathogenic according to the recommendation of ACMG/AMP guideline.